The following is an entry in ClinVar:

NM_001754.5(RUNX1):c.284C>T (p.Pro95Leu)

Gene: RUNX1 (RUNX family transcription factor 1; minus strand). Cytogenetic location: 21q22.12.
Variant type: single nucleotide variant.
Coding change: c.284C>T on transcript NM_001754.5 (MANE Select); coding-DNA position 284, C replaced by T.
Protein change: p.Pro95Leu; replaces proline 95 with leucine.
Molecular consequence: missense variant.
Genome position (GRCh38, 1-based): chr21:34,886,910, G>A on the plus strand (C>T on the coding strand, the complement: RUNX1 is on the minus strand). VCF-style: chr21-34886910-G-A. GRCh37 (hg19) VCF-style: chr21-36259207-G-A.
Other names: NM_001754.5(RUNX1):c.284C>T; p.Pro95Leu; c.203C>T, p.Pro68Leu (NM_001001890.3, NM_001122607.2); short protein forms P68L, P95L.
Identifiers: ClinVar variation 2879675 (VCV002879675.7), dbSNP rs2057999006, ClinGen allele CA410203676.
Genomic context (GRCh38, chr21:34,886,910, plus strand): 5'-GCGATGGGCAGGGTCTTGTTGCAGCGCCAGTGCGTAGGCAGCACGGAGCAGAGGAAGTTG[G>A]GGCTGTCGGTGCGCACCAGCTCGCCCGGGTGGTCGGCCAGCACCTCCACCATGCTGCGGT-3'
Protein context (NP_001745.2, residues 85-105): HPGELVRTDS[Pro95Leu]NFLCSVLPTH

ClinVar aggregate classification (germline): Uncertain significance. Review status: reviewed by expert panel (3 of 4 stars). 4 submissions from 4 submitters: Uncertain significance (1). 3 of the submissions do not count toward it. Last evaluated 2024-09-30.

Conditions:
Inborn genetic diseases. Identifiers: MedGen C0950123, MeSH D030342.
Hereditary thrombocytopenia and hematological cancer predisposition syndrome associated with RUNX1. Also called: Familial Platelet Disorder with Propensity to Acute Myelogenous Leukemia; Familial thrombocytopenia with propensity to acute myelogenous leukemia; RUNX1 Familial Platelet Disorder with Associated Myeloid Malignancies; PLATELET DISORDER, ASPIRIN-LIKE. Identifiers: Orphanet 71290, MedGen C1832388, MeSH C563324, MONDO:0100083, OMIM 601399.
Hereditary thrombocytopenia and hematologic cancer predisposition syndrome. Identifiers: Orphanet 71290, MedGen CN281654, MONDO:0011071.

Allele frequency attached by ClinVar (database versions not stated): TOPMed 0.00001.

Submissions (4):

ClinGen Myeloid Malignancy Variant Curation Expert Panel
Classification: Uncertain significance for Hereditary thrombocytopenia and hematologic cancer predisposition syndrome. Last evaluated: 2024-09-30. Review status: reviewed by expert panel. Criteria: ClinGen MyeloMalig ACMG Specifications v2. Collection method: curation. Allele origin: germline. Inheritance: Autosomal dominant inheritance.
Comment: NM_001754.5(RUNX1):c.284C>T (p.Pro95Leu) is a missense variant within the Runt Homology domain (AA 89-204), but does not affect an established hotspot variant (PM1_supporting). This variant is completely absent from all population databases with at least 20x coverage for RUNX1 (PM2_Supporting). In summary, the clinical significance of this variant is uncertain. ACMG/AMP criteria applied, as specified by the Myeloid Malignancy Variant Curation Expert Panel for RUNX1: PM1_supporting, PM2_supporting.

Ambry Genetics
Classification: Uncertain significance for Inborn genetic diseases. Last evaluated: 2025-10-22. Review status: criteria provided, single submitter. Criteria: Ambry Variant Classification Scheme 2023. Collection method: clinical testing. Allele origin: germline. Not counted in ClinVar's aggregate classification.
Comment: The p.P95L variant (also known as c.284C>T), located in coding exon 3 of the RUNX1 gene, results from a C to T substitution at nucleotide position 284. The proline at codon 95 is replaced by leucine, an amino acid with similar properties. This amino acid position is highly conserved in available vertebrate species. In addition, this alteration is predicted to be deleterious by in silico analysis. Based on the available evidence, the clinical significance of this variant remains unclear.

GeneDx
Classification: Uncertain significance. Last evaluated: 2025-07-01. Review status: criteria provided, single submitter. Criteria: GeneDx Variant Classification Process June 2021. Collection method: clinical testing. Allele origin: germline. Not counted in ClinVar's aggregate classification.
Comment: Not observed at significant frequency in large population cohorts (gnomAD); In silico analysis supports that this missense variant has a deleterious effect on protein structure/function; Has not been previously published as pathogenic or benign to our knowledge

Labcorp Genetics (formerly Invitae), Labcorp
Classification: Uncertain significance for Hereditary thrombocytopenia and hematological cancer predisposition syndrome associated with RUNX1. Last evaluated: 2023-09-09. Review status: criteria provided, single submitter. Criteria: Invitae Variant Classification Sherloc (09022015). Collection method: clinical testing. Allele origin: germline. Not counted in ClinVar's aggregate classification.
Comment: This variant has not been reported in the literature in individuals affected with RUNX1-related conditions. This sequence change replaces proline, which is neutral and non-polar, with leucine, which is neutral and non-polar, at codon 95 of the RUNX1 protein (p.Pro95Leu). This variant is not present in population databases (gnomAD no frequency). Advanced modeling of protein sequence and biophysical properties (such as structural, functional, and spatial information, amino acid conservation, physicochemical variation, residue mobility, and thermodynamic stability) performed at Invitae indicates that this missense variant is expected to disrupt RUNX1 protein function. In summary, the available evidence is currently insufficient to determine the role of this variant in disease. Therefore, it has been classified as a Variant of Uncertain Significance.